The following is an entry in ClinVar:

ClinVar aggregate classification (germline): Uncertain significance (1 of 4 stars; one submission).

Conditions:
Microcephaly, normal intelligence and immunodeficiency (NBS). Also called: IMMUNODEFICIENCY, MICROCEPHALY, AND CHROMOSOMAL INSTABILITY; Immunodeficiency, microcephaly with normal intelligence; SEEMANOVA SYNDROME II; Ataxia telangiectasia variant V1; Microcephaly with normal intelligence immunodeficiency and lymphoreticular malignancies; Nonsyndromal microcephaly autosomal recessive with normal intelligence. Identifiers: Orphanet 647, MedGen C0398791, MONDO:0009623, OMIM 251260.

Submission:

Labcorp Genetics (formerly Invitae), Labcorp
Classification: Uncertain significance for Microcephaly, normal intelligence and immunodeficiency. Last evaluated: 2018-11-14. Review status: criteria provided, single submitter. Criteria: Invitae Variant Classification Sherloc (09022015). Collection method: clinical testing. Allele origin: germline.
Comment: This variant is not present in population databases (ExAC no frequency). This sequence change replaces glycine with valine at codon 327 of the NBN protein (p.Gly327Val). The glycine residue is weakly conserved and there is a moderate physicochemical difference between glycine and valine. Algorithms developed to predict the effect of missense changes on protein structure and function (SIFT, PolyPhen-2, Align-GVGD) all suggest that this variant is likely to be tolerated, but these predictions have not been confirmed by published functional studies and their clinical significance is uncertain. In summary, the available evidence is currently insufficient to determine the role of this variant in disease. Therefore, it has been classified as a Variant of Uncertain Significance. Algorithms developed to predict the effect of sequence changes on RNA splicing suggest that this variant may create or strengthen a splice site, but this prediction has not been confirmed by published transcriptional studies. This variant has not been reported in the literature in individuals with NBN-related disease.

NM_002485.5(NBN):c.980G>T (p.Gly327Val)

Gene: NBN (nibrin; minus strand). Cytogenetic location: 8q21.3.
Variant type: single nucleotide variant.
Coding change: c.980G>T on transcript NM_002485.5 (MANE Select); coding-DNA position 980, G replaced by T.
Protein change: p.Gly327Val; replaces glycine 327 with valine.
Molecular consequence: missense variant.
Genome position (GRCh38, 1-based): chr8:89,964,424, C>A on the plus strand (G>T on the coding strand, the complement: NBN is on the minus strand). VCF-style: chr8-89964424-C-A. GRCh37 (hg19) VCF-style: chr8-90976652-C-A.
Other names: c.734G>T, p.Gly245Val (NM_001024688.3); short protein forms G245V, G327V.
Identifiers: ClinVar variation 640128 (VCV000640128.8), dbSNP rs1586075779, ClinGen allele CA371656868.